The following is an entry in ClinVar:

ClinVar aggregate classification (germline): Uncertain significance (1 of 4 stars; one submission).

Allele frequency attached by ClinVar (database versions not stated): gnomAD exomes below 0.00001; TOPMed below 0.00001.
gnomAD v4.1: 2 of 1,614,006 alleles (0.00012%); highest among the groups gnomAD compares: African/African-American, 0.0013%; no homozygotes.

Submission:

Labcorp Genetics (formerly Invitae), Labcorp
Classification: Uncertain significance. Last evaluated: 2025-01-06. Review status: criteria provided, single submitter. Criteria: Invitae Variant Classification Sherloc (09022015). Collection method: clinical testing. Allele origin: germline.
Comment: This sequence change creates a premature translational stop signal (p.Gln233*) in the A2ML1 gene. It is expected to result in an absent or disrupted protein product. However, the current clinical and genetic evidence is not sufficient to establish whether loss-of-function variants in A2ML1 cause disease. This variant is not present in population databases (gnomAD no frequency). This variant has not been reported in the literature in individuals affected with A2ML1-related conditions. ClinVar contains an entry for this variant (Variation ID: 2173917). Algorithms developed to predict the effect of sequence changes on RNA splicing suggest that this variant may disrupt the consensus splice site. In summary, the available evidence is currently insufficient to determine the role of this variant in disease. Therefore, it has been classified as a Variant of Uncertain Significance.

NM_144670.6(A2ML1):c.697C>T (p.Gln233Ter)

Gene: A2ML1 (alpha-2-macroglobulin like 1; plus strand). Cytogenetic location: 12p13.31.
Variant type: single nucleotide variant.
Coding change: c.697C>T on transcript NM_144670.6 (MANE Select); coding-DNA position 697, C replaced by T.
Protein change: p.Gln233Ter; replaces glutamine 233 with a stop codon.
Molecular consequence: nonsense.
Genome position (GRCh38, 1-based): chr12:8,836,308, C>T. VCF-style: chr12-8836308-C-T. GRCh37 (hg19) VCF-style: chr12-8988904-C-T.
Other names: short protein forms Q233*.
Identifiers: ClinVar variation 2173917 (VCV002173917.4), dbSNP rs1055961822, ClinGen allele CA232670321.